The following is an entry in ClinVar:

ClinVar aggregate classification (germline): Pathogenic (1 of 4 stars; one submission).

Conditions:
Long QT syndrome 2 (LQT2). Identifiers: Orphanet 101016, Orphanet 768, MedGen C3150943, MONDO:0013367, OMIM 613688.

Submission:

Victorian Clinical Genetics Services, Murdoch Childrens Research Institute
Classification: Pathogenic for Long QT syndrome 2. Last evaluated: 2024-10-10. Review status: criteria provided, single submitter. Criteria: ACMG Guidelines, 2015. Collection method: clinical testing. Allele origin: germline. Inheritance: Autosomal dominant inheritance. Affected: yes.
Comment: Based on the classification scheme VCGS_Germline_v1.3.5, this variant is classified as Pathogenic. Following criteria are met: 0103 - Dominant negative and loss of function are known mechanisms of disease in this gene and are associated with long QT syndrome 2 (MIM#613688). Gain of function is also a known mechanism associated with short QT syndrome 1 (MIM#609620) (OMIM, PMID: 10753933; 21777565). (I) 0107 - This gene is associated with autosomal dominant disease. (I) 0112 - The condition associated with this gene has incomplete penetrance (PMID: 20301308). (I) 0201 - Variant is predicted to cause nonsense-mediated decay (NMD) and loss of protein (premature termination codon is located at least 54 nucleotides upstream of the final exon-exon junction). (SP) 0251 - This variant is heterozygous. (I) 0301 - Variant is absent from gnomAD (v2, v3 and v4). (SP) 0701 - Other NMD predicted variants comparable to the one identified in this case have very strong previous evidence for pathogenicity (DECIPHER). (SP) 0807 - This variant has no previous evidence of pathogenicity. (I) 0905 - No published segregation evidence has been identified for this variant. (I) 1007 - No published functional evidence has been identified for this variant. (I) 1208 - Inheritance information for this variant is not currently available in this individual. (I) Legend: (SP) - Supporting pathogenic, (I) - Information, (SB) - Supporting benign

Literature cited by the submitters: PubMed 10753933; PubMed 20301308; PubMed 21777565.

NM_000238.4(KCNH2):c.1930dup (p.Val644fs)

Gene: KCNH2 (potassium voltage-gated channel subfamily H member 2; minus strand). Cytogenetic location: 7q36.1.
Variant type: Duplication.
Coding change: c.1930dup on transcript NM_000238.4 (MANE Select); coding-DNA position 1930, one base duplicated (G; older notation c.1930dupG).
Protein change: p.Val644fs; shifts the reading frame from valine 644.
Molecular consequence: frameshift variant. On other transcripts: non-coding transcript variant (2).
Genome position (GRCh38, 1-based): chr7:150,951,463, C duplicated on the plus strand (G on the coding strand, the reverse complement: KCNH2 is on the minus strand). VCF-style (leftmost placement, unchanged base first): chr7-150951462-A-AC. GRCh37 (hg19) VCF-style: chr7-150648550-A-AC.
Other names: c.910dup, p.Val304fs (NM_001204798.2, NM_172057.3); c.1642dup, p.Val548fs (NM_001406753.1, NM_001406756.1); c.1753dup, p.Val585fs (NM_001406755.1); c.1630dup, p.Val544fs (NM_001406757.1); c.1930dup, p.Val644fs (NM_172056.3); c.1930dupG (NM_000238.3); short protein forms V304fs, V544fs, V548fs, V585fs, V644fs.
Identifiers: ClinVar variation 3376960 (VCV003376960.1).